The following is an entry in ClinVar:

NM_133259.4(LRPPRC):c.451G>C (p.Asp151His)

Gene: LRPPRC (leucine rich pentatricopeptide repeat containing; minus strand). Cytogenetic location: 2p21.
Variant type: single nucleotide variant.
Coding change: c.451G>C on transcript NM_133259.4 (MANE Select); coding-DNA position 451, G replaced by C.
Protein change: p.Asp151His; replaces aspartic acid 151 with histidine.
Molecular consequence: missense variant.
Genome position (GRCh38, 1-based): chr2:43,979,844, C>G on the plus strand (G>C on the coding strand, the complement: LRPPRC is on the minus strand). VCF-style: chr2-43979844-C-G. GRCh37 (hg19) VCF-style: chr2-44206983-C-G.
Other names: c.451G>C (NM_133259.3); short protein forms D151H.
Identifiers: ClinVar variation 1937099 (VCV001937099.3), dbSNP rs371551533, ClinGen allele CA1639365.

ClinVar aggregate classification (germline): Uncertain significance. Review status: criteria provided, multiple submitters, no conflicts (2 of 4 stars). 2 submissions from 2 submitters: Uncertain significance (2). Last evaluated 2023-05-08.

Allele frequency attached by ClinVar (database versions not stated): ExAC 0.00002; TOPMed 0.00002; gnomAD 0.00003; ESP Exome Variant Server 0.00008.

Submissions (2):

GeneDx
Classification: Uncertain significance. Last evaluated: 2023-05-08. Review status: criteria provided, single submitter. Criteria: GeneDx Variant Classification Process June 2021. Collection method: clinical testing. Allele origin: germline. Affected: yes.
Comment: Not observed at significant frequency in large population cohorts (gnomAD); In silico analysis supports that this missense variant has a deleterious effect on protein structure/function; Has not been previously published as pathogenic or benign to our knowledge

Labcorp Genetics (formerly Invitae), Labcorp
Classification: Uncertain significance. Last evaluated: 2022-05-28. Review status: criteria provided, single submitter. Criteria: Invitae Variant Classification Sherloc (09022015). Collection method: clinical testing. Allele origin: germline.
Comment: This sequence change replaces aspartic acid, which is acidic and polar, with histidine, which is basic and polar, at codon 151 of the LRPPRC protein (p.Asp151His). This variant is present in population databases (rs371551533, gnomAD 0.003%). This variant has not been reported in the literature in individuals affected with LRPPRC-related conditions. Algorithms developed to predict the effect of missense changes on protein structure and function are either unavailable or do not agree on the potential impact of this missense change (SIFT: "Tolerated"; PolyPhen-2: "Possibly Damaging"; Align-GVGD: "Class C0"). In summary, the available evidence is currently insufficient to determine the role of this variant in disease. Therefore, it has been classified as a Variant of Uncertain Significance.